The following is an entry in ClinVar:

ClinVar aggregate classification (germline): Pathogenic (1 of 4 stars; one submission).

Conditions:
Hypertrophic cardiomyopathy. Also called: HYPERTROPHIC MYOCARDIOPATHY. Identifiers: Orphanet 217569, MedGen C0007194, MeSH D002312, MONDO:0005045, HP:0001639.

Submission:

Labcorp Genetics (formerly Invitae), Labcorp
Classification: Pathogenic for Hypertrophic cardiomyopathy. Last evaluated: 2025-08-14. Review status: criteria provided, single submitter. Criteria: Invitae Variant Classification Sherloc (09022015). Collection method: clinical testing. Allele origin: germline.
Comment: This sequence change creates a premature translational stop signal (p.Leu221Cysfs*79) in the MYBPC3 gene. It is expected to result in an absent or disrupted protein product. Loss-of-function variants in MYBPC3 are known to be pathogenic (PMID: 19574547). This variant is not present in population databases (gnomAD no frequency). This premature translational stop signal has been observed in individual(s) with hypertrophic cardiomyopathy (PMID: 24793961). ClinVar contains an entry for this variant (Variation ID: 2767317). For these reasons, this variant has been classified as Pathogenic.

Literature cited by the submitters: PubMed 19574547; PubMed 24793961.

NM_000256.3(MYBPC3):c.660del (p.Leu221fs)

Gene: MYBPC3 (myosin binding protein C3; minus strand). Cytogenetic location: 11p11.2.
Variant type: Deletion.
Coding change: c.660del on transcript NM_000256.3 (MANE Select); coding-DNA position 660, one base deleted (T; older notation c.660delT).
Protein change: p.Leu221fs; shifts the reading frame from leucine 221.
Molecular consequence: frameshift variant.
Genome position (GRCh38, 1-based): chr11:47,348,536, A deleted on the plus strand (T on the coding strand, the reverse complement: MYBPC3 is on the minus strand). VCF-style (leftmost placement, unchanged base first): chr11-47348535-GA-G. GRCh37 (hg19) VCF-style: chr11-47370086-GA-G.
Other names: short protein forms L221fs.
Identifiers: ClinVar variation 2767317 (VCV002767317.3), dbSNP rs2495777036, ClinGen allele CA2695213990.